The following is an entry in ClinVar:

ClinVar aggregate classification (germline): Pathogenic (1 of 4 stars; one submission).

Conditions:
Primary ciliary dyskinesia. Also called: Ciliary dyskinesia. Identifiers: Orphanet 244, MedGen C0008780, MONDO:0016575, HP:0012265.

Allele frequency attached by ClinVar (database versions not stated): gnomAD exomes below 0.00001.

Submission:

Labcorp Genetics (formerly Invitae), Labcorp
Classification: Pathogenic for Primary ciliary dyskinesia. Last evaluated: 2022-02-06. Review status: criteria provided, single submitter. Criteria: Invitae Variant Classification Sherloc (09022015). Collection method: clinical testing. Allele origin: germline.
Comment: For these reasons, this variant has been classified as Pathogenic. This variant has not been reported in the literature in individuals affected with DNAH5-related conditions. This variant is not present in population databases (gnomAD no frequency). This sequence change creates a premature translational stop signal (p.Asp2877Valfs*30) in the DNAH5 gene. It is expected to result in an absent or disrupted protein product. Loss-of-function variants in DNAH5 are known to be pathogenic (PMID: 11788826, 16627867).

Literature cited by the submitters: PubMed 11788826; PubMed 16627867.

NM_001369.3(DNAH5):c.8630del (p.Asp2877fs)

Gene: DNAH5 (dynein axonemal heavy chain 5; minus strand). Cytogenetic location: 5p15.2.
Variant type: Deletion.
Coding change: c.8630del on transcript NM_001369.3 (MANE Select); coding-DNA position 8630, one base deleted (A; older notation c.8630delA).
Protein change: p.Asp2877fs; shifts the reading frame from aspartic acid 2877.
Molecular consequence: frameshift variant.
Genome position (GRCh38, 1-based): chr5:13,788,733, T deleted on the plus strand (A on the coding strand, the reverse complement: DNAH5 is on the minus strand). VCF-style (leftmost placement, unchanged base first): chr5-13788732-AT-A. GRCh37 (hg19) VCF-style: chr5-13788841-AT-A.
Other names: short protein forms D2877fs.
Identifiers: ClinVar variation 2094199 (VCV002094199.4), dbSNP rs2546723616, ClinGen allele CA2580072044.